The following is an entry in ClinVar:

ClinVar aggregate classification (germline): Uncertain significance (1 of 4 stars; one submission).

Allele frequency attached by ClinVar (database versions not stated): gnomAD exomes below 0.00001; ExAC 0.00001; TOPMed 0.00002; gnomAD 0.00003.
gnomAD v4.1: 5 of 1,613,956 alleles (0.00031%); highest among the groups gnomAD compares: African/African-American, 0.0067%; no homozygotes.

Submission:

Labcorp Genetics (formerly Invitae), Labcorp
Classification: Uncertain significance. Last evaluated: 2025-03-03. Review status: criteria provided, single submitter. Criteria: Invitae Variant Classification Sherloc (09022015). Collection method: clinical testing. Allele origin: germline.
Comment: This sequence change replaces glutamine, which is neutral and polar, with proline, which is neutral and non-polar, at codon 4579 of the HMCN1 protein (p.Gln4579Pro). This variant is present in population databases (rs773971652, gnomAD 0.01%). This variant has not been reported in the literature in individuals affected with HMCN1-related conditions. ClinVar contains an entry for this variant (Variation ID: 1988984). An algorithm developed to predict the effect of missense changes on protein structure and function (PolyPhen-2) suggests that this variant is likely to be tolerated. In summary, the available evidence is currently insufficient to determine the role of this variant in disease. Therefore, it has been classified as a Variant of Uncertain Significance.

NM_031935.3(HMCN1):c.13736A>C (p.Gln4579Pro)

Gene: HMCN1 (hemicentin 1; plus strand). Cytogenetic location: 1q31.1.
Variant type: single nucleotide variant.
Coding change: c.13736A>C on transcript NM_031935.3 (MANE Select); coding-DNA position 13736, A replaced by C.
Protein change: p.Gln4579Pro; replaces glutamine 4579 with proline.
Molecular consequence: missense variant.
Genome position (GRCh38, 1-based): chr1:186,137,651, A>C. VCF-style: chr1-186137651-A-C. GRCh37 (hg19) VCF-style: chr1-186106783-A-C.
Other names: short protein forms Q4579P.
Identifiers: ClinVar variation 1988984 (VCV001988984.4), dbSNP rs773971652, ClinGen allele CA1294718.